The following is an entry in ClinVar:

NM_004385.5(VCAN):c.1078G>A (p.Ala360Thr)

Gene: VCAN (versican; plus strand). Cytogenetic location: 5q14.3.
Variant type: single nucleotide variant.
Coding change: c.1078G>A on transcript NM_004385.5 (MANE Select); coding-DNA position 1078, G replaced by A.
Protein change: p.Ala360Thr; replaces alanine 360 with threonine.
Molecular consequence: missense variant. On other transcripts: intron variant (2).
Genome position (GRCh38, 1-based): chr5:83,519,384, G>A. VCF-style: chr5-83519384-G-A. GRCh37 (hg19) VCF-style: chr5-82815203-G-A.
Other names: c.1078G>A, p.Ala360Thr (NM_001164098.2); c.1042+6988G>A (NM_001164097.2, NM_001126336.3); short protein forms A360T.
Identifiers: ClinVar variation 854752 (VCV000854752.12), dbSNP rs374992475, ClinGen allele CA3332608.

ClinVar aggregate classification (germline): Conflicting classifications of pathogenicity. Review status: criteria provided, conflicting classifications (1 of 4 stars). 3 submissions from 3 submitters: Uncertain significance (2); Likely benign (1). Last evaluated 2025-01-08.

Conditions:
Inborn genetic diseases. Identifiers: MedGen C0950123, MeSH D030342.

Allele frequency attached by ClinVar (database versions not stated): TOPMed 0.00006; 1000 Genomes Project 30x 0.00016; 1000 Genomes Project 0.00020.

Submissions (3):

Ambry Genetics
Classification: Uncertain significance for Inborn genetic diseases. Last evaluated: 2025-01-08. Review status: criteria provided, single submitter. Criteria: Ambry Variant Classification Scheme 2023. Collection method: clinical testing. Allele origin: germline.

Blueprint Genetics
Classification: Likely benign. Last evaluated: 2024-03-18. Review status: criteria provided, single submitter. Criteria: ACMG Guidelines, 2015. Collection method: clinical testing. Allele origin: germline.

Labcorp Genetics (formerly Invitae), Labcorp
Classification: Uncertain significance. Last evaluated: 2022-07-19. Review status: criteria provided, single submitter. Criteria: Invitae Variant Classification Sherloc (09022015). Collection method: clinical testing. Allele origin: germline.
Comment: In summary, the available evidence is currently insufficient to determine the role of this variant in disease. Therefore, it has been classified as a Variant of Uncertain Significance. Algorithms developed to predict the effect of missense changes on protein structure and function output the following: SIFT: "Tolerated"; PolyPhen-2: "Benign"; Align-GVGD: "Class C0". The threonine amino acid residue is found in multiple mammalian species, which suggests that this missense change does not adversely affect protein function. ClinVar contains an entry for this variant (Variation ID: 854752). This variant has not been reported in the literature in individuals affected with VCAN-related conditions. This variant is present in population databases (rs374992475, gnomAD 0.05%), and has an allele count higher than expected for a pathogenic variant. This sequence change replaces alanine, which is neutral and non-polar, with threonine, which is neutral and polar, at codon 360 of the VCAN protein (p.Ala360Thr).